The following is an entry in ClinVar:

ClinVar aggregate classification (germline): Likely benign (0 of 4 stars; one submission).

Conditions:
ALG9-related disorder. Also called: ALG9-related condition.

Submission:

PreventionGenetics, part of Exact Sciences
Classification: Likely benign for ALG9-related condition. Last evaluated: 2021-10-06. Review status: no assertion criteria provided. Collection method: clinical testing. Allele origin: germline.
Comment: This variant is classified as likely benign based on ACMG/AMP sequence variant interpretation guidelines (Richards et al. 2015 PMID: 25741868, with internal and published modifications).

NM_024740.2(ALG9):c.259T>C (p.Tyr87His)

Gene: ALG9 (ALG9 alpha-1,2-mannosyltransferase; minus strand). Cytogenetic location: 11q23.1.
Variant type: single nucleotide variant.
Coding change: c.259T>C on transcript NM_024740.2 (MANE Select); coding-DNA position 259, T replaced by C.
Protein change: p.Tyr87His; replaces tyrosine 87 with histidine.
Molecular consequence: missense variant. On other transcripts: 5 prime UTR variant (14), non-coding transcript variant (1), intron variant (1).
Genome position (GRCh38, 1-based): chr11:111,870,243, A>G on the plus strand (T>C on the coding strand, the complement: ALG9 is on the minus strand). VCF-style: chr11-111870243-A-G. GRCh37 (hg19) VCF-style: chr11-111740966-A-G.
Other names: c.259T>C, p.Tyr87His (NM_001077690.1, NM_001352417.1, NM_001352418.1); c.-255T>C (NM_001077691.2, NM_001077692.2, NM_001352412.2 and 5 more transcripts); c.-259T>C (NM_001352410.1, NM_001352411.2, NM_001352413.1 and 2 more transcripts); c.-473T>C (NM_001352422.2); c.-244+1109T>C (NM_001352409.1); short protein forms Y87H.
Identifiers: ClinVar variation 3029585 (VCV003029585.2), dbSNP rs1472089174, ClinGen allele CA382615550.